The following is an entry in ClinVar:

NM_021098.3(CACNA1H):c.4781C>T (p.Ala1594Val)

Gene: CACNA1H (calcium voltage-gated channel subunit alpha1 H; plus strand). Cytogenetic location: 16p13.3.
Variant type: single nucleotide variant.
Coding change: c.4781C>T on transcript NM_021098.3 (MANE Select); coding-DNA position 4781, C replaced by T.
Protein change: p.Ala1594Val; replaces alanine 1594 with valine.
Molecular consequence: missense variant.
Genome position (GRCh38, 1-based): chr16:1,213,783, C>T. VCF-style: chr16-1213783-C-T. GRCh37 (hg19) VCF-style: chr16-1263783-C-T.
Other names: c.4763C>T, p.Ala1588Val (NM_001005407.2); short protein forms A1588V, A1594V.
Identifiers: ClinVar variation 798200 (VCV000798200.7), dbSNP rs539984495, ClinGen allele CA7801620.
Genomic context (GRCh38, chr16:1,213,783, plus strand): 5'-GAGCCAGGAGCGCCGGGCGGCCCTCCTGCCCGGCGCTCATGGCCGCCCTCCCCGCAGAGG[C>T]CCAGCGCCGGCCCTACTATGCCGACTACTCGCCCACGCGCCGCTCCATTCACTCGCTGTG-3'
Protein context (NP_066921.2, residues 1584-1604): RRRSTFPSPE[Ala1594Val]QRRPYYADYS

ClinVar aggregate classification (germline): Likely benign. Review status: criteria provided, single submitter (1 of 4 stars). 2 submissions from 2 submitters: Likely benign (1). 1 of the submissions does not count toward it. Last evaluated 2026-01-19.

Conditions:
CACNA1H-related disorder.
Idiopathic generalized epilepsy. Also called: Generalised epilepsy; EIG. Identifiers: MedGen C0270850, MONDO:0005579, OMIM 600669.
Hyperaldosteronism, familial, type IV (HALD4). Also called: FH IV; ALDOSTERONISM, PRIMARY, AND HYPERTENSION. Identifiers: Orphanet 642671, MedGen C4310756, MONDO:0014875, OMIM 617027.

Allele frequency attached by ClinVar (database versions not stated): TOPMed 0.00002; 1000 Genomes Project 30x 0.00031; ExAC 0.00019; gnomAD exomes 0.00021 and 0.00007; gnomAD 0.00010 and 0.00002; 1000 Genomes Project 0.00020.
gnomAD v4.1: 308 of 1,555,092 alleles (0.02%); highest among the groups gnomAD compares: East Asian, 0.72%; 1 homozygote.

Submissions (2):

Labcorp Genetics (formerly Invitae), Labcorp
Classification: Likely benign for Idiopathic generalized epilepsy; Hyperaldosteronism, familial, type IV. Last evaluated: 2026-01-19. Review status: criteria provided, single submitter. Criteria: Invitae Variant Classification Sherloc (09022015). Collection method: clinical testing. Allele origin: germline.

PreventionGenetics, part of Exact Sciences
Classification: Likely benign for CACNA1H-related condition. Last evaluated: 2023-03-27. Review status: no assertion criteria provided. Collection method: clinical testing. Allele origin: germline. Not counted in ClinVar's aggregate classification.
Comment: This variant is classified as likely benign based on ACMG/AMP sequence variant interpretation guidelines (Richards et al. 2015 PMID: 25741868, with internal and published modifications).